The following is an entry in ClinVar:

NM_005633.4(SOS1):c.376G>A (p.Val126Ile)

Gene: SOS1 (SOS Ras/Rac guanine nucleotide exchange factor 1; minus strand). Cytogenetic location: 2p22.1.
Variant type: single nucleotide variant.
Coding change: c.376G>A on transcript NM_005633.4 (MANE Select); coding-DNA position 376, G replaced by A.
Protein change: p.Val126Ile; replaces valine 126 with isoleucine.
Molecular consequence: missense variant.
Genome position (GRCh38, 1-based): chr2:39,056,836, C>T on the plus strand (G>A on the coding strand, the complement: SOS1 is on the minus strand). VCF-style: chr2-39056836-C-T. GRCh37 (hg19) VCF-style: chr2-39283977-C-T.
Other names: c.355G>A, p.Val119Ile (NM_001382394.1); c.376G>A, p.Val126Ile (NM_001382395.1); short protein forms V126I, V119I.
Identifiers: ClinVar variation 632996 (VCV000632996.10), dbSNP rs755770649, ClinGen allele CA1624798.
Genomic context (GRCh38, chr2:39,056,836, plus strand): 5'-CAACCAGCTTTAAAATGTCTGCAGAAATGTATTCTAAGACTGCTACTATGTAAACAGAAA[C>T]CTGGTGGTCAATTTTATAACCTAGGACCTCCTGCAAAATTAAAAGAAAAGCATGTTTAAA-3'
Protein context (NP_005624.2, residues 116-136): EVLGYKIDHQ[Val126Ile]SVYIVAVLEY

ClinVar aggregate classification (germline): Conflicting classifications of pathogenicity. Review status: criteria provided, conflicting classifications (1 of 4 stars). 6 submissions from 5 submitters: Uncertain significance (5); Likely benign (1). Last evaluated 2024-06-26.

Conditions:
RASopathy. Also called: rasopathies; Noonan spectrum disorder. Identifiers: Orphanet 536391, MedGen C5555857, MONDO:0021060.
Fibromatosis, gingival, 1 (GINGF1). Identifiers: Orphanet 2024, MedGen C4551558, MONDO:0007609, OMIM 135300.
Noonan syndrome 4 (NS4). Also called: SOS1-Related Noonan Syndrome; NOONAN SYNDROME WITH PIGMENTED VILLONODULAR SYNOVITIS. Identifiers: Orphanet 648, MedGen C1853120, MONDO:0012547, OMIM 610733.

Allele frequency attached by ClinVar (database versions not stated): ExAC 0.00001; gnomAD exomes 0.00001; TOPMed 0.00002.
gnomAD v4.1: 8 of 1,610,606 alleles (0.0005%); highest among the groups gnomAD compares: African/African-American, 0.008%; no homozygotes.

Submissions (6):

Blueprint Genetics
Classification: Uncertain significance. Last evaluated: 2024-06-26. Review status: criteria provided, single submitter. Criteria: ACMG Guidelines, 2015. Collection method: clinical testing. Allele origin: germline.

Labcorp Genetics (formerly Invitae), Labcorp
Classification: Likely benign for RASopathy. Last evaluated: 2022-12-06. Review status: criteria provided, single submitter. Criteria: Invitae Variant Classification Sherloc (09022015). Collection method: clinical testing. Allele origin: germline.

GeneDx
Classification: Uncertain significance. Last evaluated: 2022-06-22. Review status: criteria provided, single submitter. Criteria: GeneDx Variant Classification Process June 2021. Collection method: clinical testing. Allele origin: germline. Affected: yes.
Comment: Missense variants in this gene are often considered pathogenic (HGMD); In silico analysis supports that this missense variant does not alter protein structure/function; Has not been previously published as pathogenic or benign to our knowledge

Women's Health and Genetics/Laboratory Corporation of America, LabCorp
Classification: Uncertain significance. Last evaluated: 2017-10-04. Review status: criteria provided, single submitter. Criteria: LabCorp Variant Classification Summary - May 2015. Collection method: clinical testing. Allele origin: germline.
Comment: Variant summary: The SOS1 c.376G>A (p.Val126Ile) variant involves the alteration of a conserved nucleotide. 3/4 in silico tools predict a damaging outcome for this variant (SNPsandGO not captured due to low reliability index). This variant was found in 2/246036 control chromosomes at a frequency of 0.0000081, which does not exceed the estimated maximal expected allele frequency of a pathogenic SOS1 variant (0.00003). The variant of interest has not, to our knowledge, been reported in affected individuals via publications and/or reputable databases/clinical diagnostic laboratories; nor evaluated for functional impact by in vivo/vitro studies. Because of the absence of clinical information and the lack of functional studies, the variant is classified as a variant of uncertain significance (VUS) until additional information becomes available.

Genome-Nilou Lab
Classification: Uncertain significance for Noonan syndrome 4. Review status: criteria provided, single submitter. Criteria: ACMG Guidelines, 2015. Collection method: clinical testing. Allele origin: germline.

Genome-Nilou Lab
Classification: Uncertain significance for Fibromatosis, gingival, 1. Review status: criteria provided, single submitter. Criteria: ACMG Guidelines, 2015. Collection method: clinical testing. Allele origin: germline.